The following is an entry in ClinVar:

ClinVar aggregate classification (germline): Uncertain significance (1 of 4 stars; one submission).

gnomAD v4.1: 1 of 1,613,856 alleles (0.000062%); highest among the groups gnomAD compares: South Asian, 0.0011%; no homozygotes.

Submission:

GeneDx
Classification: Uncertain significance. Last evaluated: 2026-03-05. Review status: criteria provided, single submitter. Criteria: GeneDx Variant Classification Process June 2021. Collection method: clinical testing. Allele origin: germline.
Comment: Not observed at significant frequency in large population cohorts (gnomAD); In silico analysis suggests that this missense variant does not alter protein structure/function; Has not been previously published as pathogenic or benign to our knowledge

NM_014991.6(WDFY3):c.7715C>T (p.Ala2572Val)

Gene: WDFY3 (WD repeat and FYVE domain containing 3; minus strand). Cytogenetic location: 4q21.23.
Variant type: single nucleotide variant.
Coding change: c.7715C>T on transcript NM_014991.6 (MANE Select); coding-DNA position 7715, C replaced by T.
Protein change: p.Ala2572Val; replaces alanine 2572 with valine.
Molecular consequence: missense variant.
Genome position (GRCh38, 1-based): chr4:84,718,461, G>A on the plus strand (C>T on the coding strand, the complement: WDFY3 is on the minus strand). VCF-style: chr4-84718461-G-A. GRCh37 (hg19) VCF-style: chr4-85639614-G-A.
Other names: short protein forms A2572V.
Identifiers: ClinVar variation 4527575 (VCV004527575.2).